The following is an entry in ClinVar:

NM_001291867.2(NHS):c.50_53del (p.Arg17fs)

Gene: NHS (NHS actin remodeling regulator; plus strand). Cytogenetic location: Xp22.2.
Variant type: Deletion.
Coding change: c.50_53del on transcript NM_001291867.2 (MANE Select); coding-DNA positions 50 to 53, 4 bases deleted (GGCG; older notation c.50_53delGGCG).
Protein change: p.Arg17fs; shifts the reading frame from arginine 17.
Molecular consequence: frameshift variant.
Genome position (GRCh38, 1-based): chrX:17,375,807-17,375,810, GGCG deleted. VCF-style (leftmost placement, unchanged base first): chrX-17375806-CGGCG-C. GRCh37 (hg19) VCF-style: chrX-17393929-CGGCG-C.
Other names: c.50_53del, p.Arg17fs (NM_198270.4); short protein forms R17fs.
Identifiers: ClinVar variation 1446464 (VCV001446464.6), dbSNP rs2146834311, ClinGen allele CA2573158442.

ClinVar aggregate classification (germline): Pathogenic (1 of 4 stars; one submission).

Conditions:
Nance-Horan syndrome (NHS). Identifiers: Orphanet 627, MedGen C0796085, MONDO:0010545, OMIM 302350.

Submission:

Labcorp Genetics (formerly Invitae), Labcorp
Classification: Pathogenic for Nance-Horan syndrome. Last evaluated: 2020-10-25. Review status: criteria provided, single submitter. Criteria: Invitae Variant Classification Sherloc (09022015). Collection method: clinical testing. Allele origin: germline.
Comment: This sequence change creates a premature translational stop signal (p.Arg17Profs*178) in the NHS gene. It is expected to result in an absent or disrupted protein product. Loss-of-function variants in NHS are known to be pathogenic (PMID: 14564667, 19414485). The frequency data for this variant in the population databases is considered unreliable, as metrics indicate insufficient coverage at this position in the ExAC database. For these reasons, this variant has been classified as Pathogenic. This variant has not been reported in the literature in individuals with NHS-related conditions.

Literature cited by the submitters: PubMed 14564667; PubMed 19414485.